The following is an entry in ClinVar:

ClinVar aggregate classification (germline): Uncertain significance (1 of 4 stars; one submission).

Conditions:
Autosomal dominant limb-girdle muscular dystrophy type 1D (DNAJB6) (LGMDD1). Also called: MUSCULAR DYSTROPHY, LIMB-GIRDLE, TYPE 1D; Autosomal dominant limb-girdle muscular dystrophy type 1D; Muscular dystrophy, limb-girdle, autosomal dominant 1; MUSCULAR DYSTROPHY, AUTOSOMAL DOMINANT, WITH RIMMED VACUOLES. Identifiers: Orphanet 34516, MedGen C4721885, MONDO:0021018, OMIM 603511.

Allele frequency attached by ClinVar (database versions not stated): TOPMed below 0.00001; ExAC 0.00001; gnomAD exomes 0.00001.
gnomAD v4.1: 10 of 1,606,442 alleles (0.00062%); highest among the groups gnomAD compares: South Asian, 0.011%; no homozygotes.

Submission:

Labcorp Genetics (formerly Invitae), Labcorp
Classification: Uncertain significance for Autosomal dominant limb-girdle muscular dystrophy type 1D (DNAJB6). Last evaluated: 2022-10-12. Review status: criteria provided, single submitter. Criteria: Invitae Variant Classification Sherloc (09022015). Collection method: clinical testing. Allele origin: germline.
Comment: In summary, the available evidence is currently insufficient to determine the role of this variant in disease. Therefore, it has been classified as a Variant of Uncertain Significance. Advanced modeling of protein sequence and biophysical properties (such as structural, functional, and spatial information, amino acid conservation, physicochemical variation, residue mobility, and thermodynamic stability) performed at Invitae indicates that this missense variant is not expected to disrupt DNAJB6 protein function. This variant has not been reported in the literature in individuals affected with DNAJB6-related conditions. This variant is present in population databases (rs778861039, gnomAD 0.007%). This sequence change replaces glycine, which is neutral and non-polar, with glutamic acid, which is acidic and polar, at codon 124 of the DNAJB6 protein (p.Gly124Glu).

NM_058246.4(DNAJB6):c.371G>A (p.Gly124Glu)

Gene: DNAJB6 (DnaJ heat shock protein family (Hsp40) member B6; plus strand). Cytogenetic location: 7q36.3.
Variant type: single nucleotide variant.
Coding change: c.371G>A on transcript NM_058246.4 (MANE Select); coding-DNA position 371, G replaced by A.
Protein change: p.Gly124Glu; replaces glycine 124 with glutamic acid.
Molecular consequence: missense variant. On other transcripts: intron variant (1).
Genome position (GRCh38, 1-based): chr7:157,382,270, G>A. VCF-style: chr7-157382270-G-A. GRCh37 (hg19) VCF-style: chr7-157174964-G-A.
Other names: c.371G>A, p.Gly124Glu (NM_005494.3); c.346+14787G>A (NM_001363676.1); short protein forms G124E.
Identifiers: ClinVar variation 2171849 (VCV002171849.4), dbSNP rs778861039, ClinGen allele CA4590503.